The following is an entry in ClinVar:

ClinVar aggregate classification (germline): Uncertain significance (1 of 4 stars; one submission).

Submission:

GeneDx
Classification: Uncertain significance. Last evaluated: 2023-07-14. Review status: criteria provided, single submitter. Criteria: GeneDx Variant Classification Process June 2021. Collection method: clinical testing. Allele origin: germline. Affected: yes.
Comment: Not observed at significant frequency in large population cohorts (gnomAD); In silico analysis supports that this missense variant has a deleterious effect on protein structure/function; Has not been previously published as pathogenic or benign to our knowledge

NM_031407.7(HUWE1):c.3977T>G (p.Met1326Arg)

Gene: HUWE1 (HECT, UBA and WWE domain containing E3 ubiquitin protein ligase 1; minus strand). Cytogenetic location: Xp11.22.
Variant type: single nucleotide variant.
Coding change: c.3977T>G on transcript NM_031407.7 (MANE Select); coding-DNA position 3977, T replaced by G.
Protein change: p.Met1326Arg; replaces methionine 1326 with arginine.
Molecular consequence: missense variant.
Genome position (GRCh38, 1-based): chrX:53,591,118, A>C on the plus strand (T>G on the coding strand, the complement: HUWE1 is on the minus strand). VCF-style: chrX-53591118-A-C. GRCh37 (hg19) VCF-style: chrX-53618078-A-C.
Other names: short protein forms M1326R.
Identifiers: ClinVar variation 3361087 (VCV003361087.1).
Genomic context (GRCh38, chrX:53,591,118, plus strand): 5'-TCCATGGTGCTGGTGTTCAACAGTGCCTCCATTGCATGTTCCCTTGTGAAGCCCATGTCC[A>C]TGAGCTACATAAAGAATGCAAGGGCTCAGAATCACATAACGGAAATCCAAATACATTTTT-3'
Protein context (NP_113584.3, residues 1316-1336): QVNQQQLQQL[Met1326Arg]DMGFTREHAM